The following is an entry in ClinVar:

ClinVar aggregate classification (germline): Uncertain significance. Review status: criteria provided, multiple submitters, no conflicts (2 of 4 stars). 2 submissions from 2 submitters: Uncertain significance (2). Last evaluated 2024-06-16.

Conditions:
Inborn genetic diseases. Identifiers: MedGen C0950123, MeSH D030342.

Allele frequency attached by ClinVar (database versions not stated): TOPMed 0.00001; gnomAD 0.00002; gnomAD exomes 0.00002.
gnomAD v4.1: 38 of 1,612,898 alleles (0.0024%); highest among the groups gnomAD compares: Non-Finnish European, 0.0031%; no homozygotes.

Submissions (2):

Labcorp Genetics (formerly Invitae), Labcorp
Classification: Uncertain significance. Last evaluated: 2024-06-16. Review status: criteria provided, single submitter. Criteria: Invitae Variant Classification Sherloc (09022015). Collection method: clinical testing. Allele origin: germline.
Comment: This sequence change replaces lysine, which is basic and polar, with glutamic acid, which is acidic and polar, at codon 1078 of the AP3D1 protein (p.Lys1078Glu). This variant is present in population databases (no rsID available, gnomAD 0.002%). This variant has not been reported in the literature in individuals affected with AP3D1-related conditions. ClinVar contains an entry for this variant (Variation ID: 2456282). An algorithm developed to predict the effect of missense changes on protein structure and function (PolyPhen-2) suggests that this variant is likely to be tolerated. In summary, the available evidence is currently insufficient to determine the role of this variant in disease. Therefore, it has been classified as a Variant of Uncertain Significance.

Ambry Genetics
Classification: Uncertain significance for Inborn genetic diseases. Last evaluated: 2023-01-23. Review status: criteria provided, single submitter. Criteria: Ambry Variant Classification Scheme 2023. Collection method: clinical testing. Allele origin: germline.

NM_001261826.3(AP3D1):c.3232A>G (p.Lys1078Glu)

Gene: AP3D1 (adaptor related protein complex 3 subunit delta 1; minus strand). Cytogenetic location: 19p13.3.
Variant type: single nucleotide variant.
Coding change: c.3232A>G on transcript NM_001261826.3 (MANE Select); coding-DNA position 3232, A replaced by G.
Protein change: p.Lys1078Glu; replaces lysine 1078 with glutamic acid.
Molecular consequence: missense variant.
Genome position (GRCh38, 1-based): chr19:2,110,168, T>C on the plus strand (A>G on the coding strand, the complement: AP3D1 is on the minus strand). VCF-style: chr19-2110168-T-C. GRCh37 (hg19) VCF-style: chr19-2110167-T-C.
Other names: c.3196A>G, p.Lys1066Glu (NM_001374799.1); c.3046A>G, p.Lys1016Glu (NM_003938.8); short protein forms K1066E, K1016E, K1078E.
Identifiers: ClinVar variation 2456282 (VCV002456282.4), dbSNP rs993012003, ClinGen allele CA304148026.